The following is an entry in ClinVar:

NM_000038.6(APC):c.8276G>A (p.Arg2759His)

Gene: APC (APC regulator of Wnt signaling pathway; plus strand). Cytogenetic location: 5q22.2.
Variant type: single nucleotide variant.
Coding change: c.8276G>A on transcript NM_000038.6 (MANE Select); coding-DNA position 8276, G replaced by A.
Protein change: p.Arg2759His; replaces arginine 2759 with histidine.
Molecular consequence: missense variant.
Genome position (GRCh38, 1-based): chr5:112,843,870, G>A. VCF-style: chr5-112843870-G-A. GRCh37 (hg19) VCF-style: chr5-112179567-G-A.
Other names: c.8276G>A, p.Arg2759His (NM_001127510.3, NM_001354895.2); c.8222G>A, p.Arg2741His (NM_001127511.3); c.8330G>A, p.Arg2777His (NM_001354896.2); c.8306G>A, p.Arg2769His (NM_001354897.2); c.8201G>A, p.Arg2734His (NM_001354898.2); c.8192G>A, p.Arg2731His (NM_001354899.2); c.8153G>A, p.Arg2718His (NM_001354900.2); c.8099G>A, p.Arg2700His (NM_001354901.2); and 5 more; short protein forms R2741H, R2759H, R2599H, R2718H, R2731H, R2658H, R2668H, R2777H.
Identifiers: ClinVar variation 141690 (VCV000141690.36), dbSNP rs538289470, ClinGen allele CA014525.
Genomic context (GRCh38, chr5:112,843,870, plus strand): 5'-AACCAGGACAAAATAATCCTGTCCCTGTATCAGAGACTAATGAAAGTTCTATAGTGGAAC[G>A]TACCCCATTCAGTTCTAGCAGCTCAAGCAAACACAGTTCACCTAGTGGGACTGTTGCTGC-3'
Protein context (NP_000029.2, residues 2749-2769): SETNESSIVE[Arg2759His]TPFSSSSSSK

ClinVar aggregate classification (germline): Conflicting classifications of pathogenicity. Review status: criteria provided, conflicting classifications (1 of 4 stars). 10 submissions from 10 submitters: Uncertain significance (8); Likely benign (2). Last evaluated 2026-04-29.

Conditions:
Classic or attenuated familial adenomatous polyposis. Identifiers: MedGen CN372698, MONDO:0021057.
APC-related disorder. Also called: APC-related condition.
Desmoid disease, hereditary (DESMD). Also called: FIBROMATOSIS, FAMILIAL INFILTRATIVE. Identifiers: Orphanet 873, MedGen C1851124, OMIM 135290. Disease mechanism: loss of function.
Familial adenomatous polyposis 1 (FAP1). Also called: FAMILIAL ADENOMATOUS POLYPOSIS 1, ATTENUATED; POLYPOSIS, ADENOMATOUS INTESTINAL. Identifiers: MedGen C2713442, MONDO:0021056, OMIM 175100. Disease mechanism: loss of function.
Neoplasm of stomach. Also called: Neoplasm of the stomach; Gastric neoplasm; Stomach Neoplasms. Identifiers: MedGen C0038356, MONDO:0021085, HP:0006753. Disease mechanism: gain of function. Inheritance: Somatic mutation.
Carcinoma of colon (CRC). Also called: Colonic carcinoma; Colon carcinoma. Identifiers: MedGen C0699790, MONDO:0002032.
Hepatocellular carcinoma (HCC). Also called: Primary carcinoma of liver; HEPATOMA; LIVER CELL CARCINOMA. Identifiers: Orphanet 88673, MedGen C2239176, MONDO:0007256, OMIM 114550, HP:0001402.
Hereditary cancer-predisposing syndrome. Also called: Tumor predisposition; Neoplastic Syndromes, Hereditary; Hereditary neoplastic syndrome; Hereditary Cancer Syndrome. Identifiers: Orphanet 140162, MedGen C0027672, MeSH D009386, MONDO:0015356.

Allele frequency attached by ClinVar (database versions not stated): gnomAD 0.00001; gnomAD exomes 0.00002.
gnomAD v4.1: 30 of 1,613,812 alleles (0.0019%); highest among the groups gnomAD compares: South Asian, 0.0044%; no homozygotes.

Submissions (10):

Ambry Genetics
Classification: Likely benign for Hereditary cancer-predisposing syndrome. Last evaluated: 2026-04-29. Review status: criteria provided, single submitter. Criteria: Ambry Variant Classification Scheme 2023. Collection method: clinical testing. Allele origin: germline.

Labcorp Genetics (formerly Invitae), Labcorp
Classification: Likely benign for Familial adenomatous polyposis 1. Last evaluated: 2026-02-01. Review status: criteria provided, single submitter. Criteria: Invitae Variant Classification Sherloc (09022015). Collection method: clinical testing. Allele origin: germline.

Color Diagnostics, LLC DBA Color Health
Classification: Uncertain significance for Hereditary cancer-predisposing syndrome. Last evaluated: 2025-07-21. Review status: criteria provided, single submitter. Criteria: ACMG Guidelines, 2015. Collection method: clinical testing. Allele origin: germline.
Comment: This missense variant replaces arginine with histidine at codon 2759 of the APC protein. Computational prediction suggests that this variant may not impact protein structure and function. To our knowledge, functional studies have not been reported for this variant. This variant has been reported in an individual affected with a Lynch syndrome-associated disease and/or polyps (PMID: 25980754). This variant has been identified in 4/251016 chromosomes in the general population by the Genome Aggregation Database (gnomAD). The available evidence is insufficient to determine the role of this variant in disease conclusively. Therefore, this variant is classified as a Variant of Uncertain Significance.

Quest Diagnostics Nichols Institute San Juan Capistrano
Classification: Uncertain significance. Last evaluated: 2025-05-05. Review status: criteria provided, single submitter. Criteria: Quest Diagnostics criteria. Collection method: clinical testing. Allele origin: unknown.
Comment: The APC c.8276G>A (p.Arg2759His) variant has been reported in the published literature in an individual affected with a Lynch syndrome associated cancer and/or polyps (PMID: 25980754 (2015)). The frequency of this variant in the general population (Genome Aggregation Database) is uninformative in the assessment of its pathogenicity. Analysis of this variant using bioinformatics tools for the prediction of the effect of amino acid changes on protein structure and function yielded conflicting predictions that this variant is benign or damaging. Based on the available information, we are unable to determine the clinical significance of this variant.

GeneDx
Classification: Uncertain significance. Last evaluated: 2025-04-01. Review status: criteria provided, single submitter. Criteria: GeneDx Variant Classification Process June 2021. Collection method: clinical testing. Allele origin: germline. Affected: yes.
Comment: Not observed at a significant frequency in large population cohorts (gnomAD); In silico analysis indicates that this missense variant does not alter protein structure/function; This variant is associated with the following publications: (PMID: 18199528, 25980754, 38136308)

Women's Health and Genetics/Laboratory Corporation of America, LabCorp
Classification: Uncertain significance. Last evaluated: 2025-03-03. Review status: criteria provided, single submitter. Criteria: LabCorp Variant Classification Summary - May 2015. Collection method: clinical testing. Allele origin: germline.
Comment: Variant summary: APC c.8276G>A (p.Arg2759His) results in a non-conservative amino acid change located in the EB-1 binding domain (IPR009232) of the encoded protein sequence. Four of five in-silico tools predict a damaging effect of the variant on protein function. The variant allele was found at a frequency of 1.6e-05 in 251016 control chromosomes (gnomAD). The available data on variant occurrences in the general population are insufficient to allow any conclusion about variant significance. c.8276G>A has been reported in the literature in in an individual who had genetic testing for Lynch syndrome, and the authors classified the variant as VUS (Yurgelun_2015). This report does not provide unequivocal conclusions about association of the variant with Familial Adenomatous Polyposis. To our knowledge, no experimental evidence demonstrating an impact on protein function has been reported. The following publication has been ascertained in the context of this evaluation (PMID: 25980754). ClinVar contains an entry for this variant (Variation ID: 141690). Based on the evidence outlined above, the variant was classified as uncertain significance.

PreventionGenetics, part of Exact Sciences
Classification: Uncertain significance for APC-related condition. Last evaluated: 2025-01-13. Review status: criteria provided, single submitter. Criteria: ACMG Guidelines, 2015. Collection method: clinical testing. Allele origin: germline.
Comment: The APC c.8276G>A variant is predicted to result in the amino acid substitution p.Arg2759His. This variant has been reported in an individual undergoing genetic testing for a Lynch syndrome indication (Table S2, Yurgelun et al. 2015. PubMed ID: 25980754). This variant is reported in 0.0033% of alleles in individuals of South Asian descent in gnomAD. This variant has conflicting interpretations in ClinVar ranging from uncertain to likely benign. At this time, the clinical significance of this variant is uncertain due to the absence of conclusive functional and genetic evidence.

Baylor Genetics
Classification: Uncertain significance for Familial adenomatous polyposis 1. Last evaluated: 2023-12-08. Review status: criteria provided, single submitter. Criteria: ACMG Guidelines, 2015. Collection method: clinical testing. Allele origin: unknown.

All of Us Research Program, National Institutes of Health
Classification: Uncertain significance for Classic or attenuated familial adenomatous polyposis. Last evaluated: 2023-07-19. Review status: criteria provided, single submitter. Criteria: ACMG Guidelines, 2015. Collection method: clinical testing. Allele origin: germline. Inheritance: Autosomal dominant inheritance. Observed: 1 variant allele, 1 heterozygote.
Comment: This missense variant replaces arginine with histidine at codon 2759 of the APC protein. Computational prediction suggests that this variant may not impact protein structure and function (internally defined REVEL score threshold <= 0.5, PMID: 27666373). To our knowledge, functional studies have not been reported for this variant. This variant has been reported in an individual affected with a Lynch syndrome-associated disease and/or polyps (PMID: 25980754). This variant has been identified in 4/251016 chromosomes in the general population by the Genome Aggregation Database (gnomAD). The available evidence is insufficient to determine the role of this variant in disease conclusively. Therefore, this variant is classified as a Variant of Uncertain Significance.

This study involves interpretation of variants in research participants for the purpose of population health screening. Participant phenotype was not available at the time of variant classification. Additional details can be found in publication PMID: 35346344, PMCID: PMC8962531

Fulgent Genetics
Classification: Uncertain significance for Colorectal cancer; Hepatocellular carcinoma; Desmoid disease, hereditary; Familial adenomatous polyposis 1; Gastric cancer. Last evaluated: 2018-10-31. Review status: criteria provided, single submitter. Criteria: ACMG Guidelines, 2015. Collection method: clinical testing. Allele origin: unknown.

Literature cited by the submitters: PubMed 25980754 (cited by 4 submitters); PubMed 38136308 (cited by Quest Diagnostics Nichols Institute San Juan Capistrano); PubMed 38504345 (cited by Quest Diagnostics Nichols Institute San Juan Capistrano).